The following is an entry in ClinVar:

NM_001282531.3(ADNP):c.2919G>T (p.Glu973Asp)

Gene: ADNP (activity dependent neuroprotector homeobox; minus strand). Cytogenetic location: 20q13.13.
Variant type: single nucleotide variant.
Coding change: c.2919G>T on transcript NM_001282531.3 (MANE Select); coding-DNA position 2919, G replaced by T.
Protein change: p.Glu973Asp; replaces glutamic acid 973 with aspartic acid.
Molecular consequence: missense variant.
Genome position (GRCh38, 1-based): chr20:50,891,795, C>A on the plus strand (G>T on the coding strand, the complement: ADNP is on the minus strand). VCF-style: chr20-50891795-C-A. GRCh37 (hg19) VCF-style: chr20-49508332-C-A.
Other names: c.2919G>T, p.Glu973Asp (NM_001282532.2, NM_001347511.2, NM_015339.5 and 1 more transcripts); short protein forms E973D.
Identifiers: ClinVar variation 2662644 (VCV002662644.2), dbSNP rs2515574625, ClinGen allele CA408967500.

ClinVar aggregate classification (germline): Conflicting classifications of pathogenicity. Review status: criteria provided, conflicting classifications (1 of 4 stars). 2 submissions from 2 submitters: Uncertain significance (1); Likely benign (1). Last evaluated 2024-09-20.

Conditions:
ADNP-related multiple congenital anomalies - intellectual disability - autism spectrum disorder. Also called: Helsmoortel-Van der Aa Syndrome; ADNP-Related Helsmoortel-Van der Aa Syndrome. Identifiers: Orphanet 404448, MedGen C4014538, MONDO:0014379, OMIM 615873. Disease mechanism: loss of function.

Submissions (2):

3billion
Classification: Likely benign for ADNP-related multiple congenital anomalies - intellectual disability - autism spectrum disorder. Last evaluated: 2024-09-20. Review status: criteria provided, single submitter. Criteria: ACMG Guidelines, 2015. Collection method: clinical testing. Allele origin: germline. Affected: no.
Comment: The variant was identified in at least one patient who was diagnosed with a different variant in another gene and showed no symptoms related to the gene containing the variant in question.

GeneDx
Classification: Uncertain significance. Last evaluated: 2023-05-19. Review status: criteria provided, single submitter. Criteria: GeneDx Variant Classification Process June 2021. Collection method: clinical testing. Allele origin: germline. Affected: yes.
Comment: Not observed at significant frequency in large population cohorts (gnomAD); In silico analysis supports that this missense variant does not alter protein structure/function; Has not been previously published as pathogenic or benign to our knowledge